The following is an entry in ClinVar:

NM_001903.5(CTNNA1):c.65C>G (p.Thr22Ser)

Gene: CTNNA1 (catenin alpha 1; plus strand). Cytogenetic location: 5q31.2.
Variant type: single nucleotide variant.
Coding change: c.65C>G on transcript NM_001903.5 (MANE Select); coding-DNA position 65, C replaced by G.
Protein change: p.Thr22Ser; replaces threonine 22 with serine.
Molecular consequence: missense variant. On other transcripts: 5 prime UTR variant (2).
Genome position (GRCh38, 1-based): chr5:138,781,989, C>G. VCF-style: chr5-138781989-C-G. GRCh37 (hg19) VCF-style: chr5-138117678-C-G.
Other names: c.65C>G, p.Thr22Ser (NM_001290307.3, NM_001323982.2, NM_001323983.1 and 3 more transcripts); c.-49C>G (NM_001290309.3); c.-142C>G (NM_001290310.3); short protein forms T22S.
Identifiers: ClinVar variation 1020893 (VCV001020893.8), dbSNP rs1755162650, ClinGen allele CA361477165.

ClinVar aggregate classification (germline): Uncertain significance (1 of 4 stars; one submission).

Submission:

Labcorp Genetics (formerly Invitae), Labcorp
Classification: Uncertain significance. Last evaluated: 2020-09-09. Review status: criteria provided, single submitter. Criteria: Invitae Variant Classification Sherloc (09022015). Collection method: clinical testing. Allele origin: germline.
Comment: In summary, the available evidence is currently insufficient to determine the role of this variant in disease. Therefore, it has been classified as a Variant of Uncertain Significance. Algorithms developed to predict the effect of missense changes on protein structure and function are either unavailable or do not agree on the potential impact of this missense change (SIFT: "Deleterious"; PolyPhen-2: "Probably Damaging"; Align-GVGD: "Class C0"). This variant has not been reported in the literature in individuals with CTNNA1-related conditions. This variant is not present in population databases (ExAC no frequency). This sequence change replaces threonine with serine at codon 22 of the CTNNA1 protein (p.Thr22Ser). The threonine residue is highly conserved and there is a small physicochemical difference between threonine and serine.